The following is an entry in ClinVar:

NM_032043.3(BRIP1):c.2557C>G (p.Pro853Ala)

Gene: BRIP1 (BRCA1 interacting DNA helicase 1; minus strand). Cytogenetic location: 17q23.2.
Variant type: single nucleotide variant.
Coding change: c.2557C>G on transcript NM_032043.3 (MANE Select); coding-DNA position 2557, C replaced by G.
Protein change: p.Pro853Ala; replaces proline 853 with alanine.
Molecular consequence: missense variant.
Genome position (GRCh38, 1-based): chr17:61,693,448, G>C on the plus strand (C>G on the coding strand, the complement: BRIP1 is on the minus strand). VCF-style: chr17-61693448-G-C. GRCh37 (hg19) VCF-style: chr17-59770809-G-C.
Other names: short protein forms P853A.
Identifiers: ClinVar variation 4845186 (VCV004845186.1).

ClinVar aggregate classification (germline): Uncertain significance (1 of 4 stars; one submission).

Conditions:
Hereditary cancer-predisposing syndrome. Also called: Neoplastic Syndromes, Hereditary; Tumor predisposition; Hereditary Cancer Syndrome; Hereditary neoplastic syndrome. Identifiers: Orphanet 140162, MedGen C0027672, MeSH D009386, MONDO:0015356.

Submission:

Ambry Genetics
Classification: Uncertain significance for Hereditary cancer-predisposing syndrome. Last evaluated: 2026-02-06. Review status: criteria provided, single submitter. Criteria: Ambry Variant Classification Scheme 2023. Collection method: clinical testing. Allele origin: germline.
Comment: The p.P853A variant (also known as c.2557C>G), located in coding exon 17 of the BRIP1 gene, results from a C to G substitution at nucleotide position 2557. The proline at codon 853 is replaced by alanine, an amino acid with highly similar properties. This amino acid position is highly conserved in available vertebrate species. In addition, the in silico prediction for this alteration is inconclusive. Based on the available evidence, the clinical significance of this variant remains unclear.